The following is an entry in ClinVar:

NM_001048174.2(MUTYH):c.665del (p.Gly222fs)

Gene: MUTYH (mutY DNA glycosylase; minus strand). Cytogenetic location: 1p34.1.
Variant type: Deletion.
Coding change: c.665del on transcript NM_001048174.2 (MANE Select); coding-DNA position 665, one base deleted (G; older notation c.665delG).
Protein change: p.Gly222fs; shifts the reading frame from glycine 222.
Molecular consequence: frameshift variant. On other transcripts: non-coding transcript variant (7).
Genome position (GRCh38, 1-based): chr1:45,332,430, C deleted on the plus strand (G on the coding strand, the reverse complement: MUTYH is on the minus strand); the first of 2 consecutive C bases (chr1:45,332,430-45,332,431); deleting either gives the same sequence. VCF-style (leftmost placement, unchanged base first): chr1-45332429-AC-A. GRCh37 (hg19) VCF-style: chr1-45798101-AC-A.
Other names: c.665del, p.Gly222fs (NM_001048171.2, NM_001048173.2, NM_001293195.2 and 6 more transcripts); c.668del, p.Gly223fs (NM_001048172.2, NM_001407071.1, NM_001407078.1 and 1 more transcripts); c.749del, p.Gly250fs (NM_001128425.2); c.710del, p.Gly237fs (NM_001293190.2); c.698del, p.Gly233fs (NM_001293191.2, NM_001407069.1, NM_001407077.1); c.389del, p.Gly130fs (NM_001293192.2, NM_001293196.2, NM_001407091.1); c.320del, p.Gly107fs (NM_001350650.2, NM_001350651.2, NM_001407082.1); c.581del, p.Gly194fs (NM_001407075.1); and 6 more; short protein forms G223fs, G107fs, G130fs, G194fs, G209fs, G233fs, G236fs, G222fs.
Identifiers: ClinVar variation 3400152 (VCV003400152.1).

ClinVar aggregate classification (germline): Pathogenic (1 of 4 stars; one submission).

Conditions:
Hereditary cancer-predisposing syndrome. Also called: Hereditary Cancer Syndrome; Tumor predisposition; Hereditary neoplastic syndrome; Neoplastic Syndromes, Hereditary. Identifiers: Orphanet 140162, MedGen C0027672, MeSH D009386, MONDO:0015356.

Submission:

Ambry Genetics
Classification: Pathogenic for Hereditary cancer-predisposing syndrome. Last evaluated: 2024-10-18. Review status: criteria provided, single submitter. Criteria: Ambry Variant Classification Scheme 2023. Collection method: clinical testing. Allele origin: germline.
Comment: The c.749delG pathogenic mutation, located in coding exon 9 of the MUTYH gene, results from a deletion of one nucleotide at nucleotide position 749, causing a translational frameshift with a predicted alternate stop codon (p.G250Vfs*16). This variant is considered to be rare based on population cohorts in the Genome Aggregation Database (gnomAD). This alteration is expected to result in loss of function by premature protein truncation or nonsense-mediated mRNA decay. As such, this alteration is interpreted as a disease-causing mutation.